The following is an entry in ClinVar:

NM_198525.3(KIF7):c.1672T>A (p.Ser558Thr)

Gene: KIF7 (kinesin family member 7; minus strand). Cytogenetic location: 15q26.1.
Variant type: single nucleotide variant.
Coding change: c.1672T>A on transcript NM_198525.3 (MANE Select); coding-DNA position 1672, T replaced by A.
Protein change: p.Ser558Thr; replaces serine 558 with threonine.
Molecular consequence: missense variant.
Genome position (GRCh38, 1-based): chr15:89,646,946, A>T on the plus strand (T>A on the coding strand, the complement: KIF7 is on the minus strand). VCF-style: chr15-89646946-A-T. GRCh37 (hg19) VCF-style: chr15-90190177-A-T.
Other names: short protein forms S558T.
Identifiers: ClinVar variation 1026343 (VCV001026343.8), dbSNP rs746600720, ClinGen allele CA7728490.

ClinVar aggregate classification (germline): Uncertain significance (1 of 4 stars; one submission).

Conditions:
Acrocallosal syndrome (ACLS). Also called: HALLUX DUPLICATION, POSTAXIAL POLYDACTYLY, AND ABSENCE OF CORPUS CALLOSUM; Schinzel syndrome 1; Absence of corpus callosum with unusual facial appearance, mental deficiency, duplication of the halluces and polydactyly. Identifiers: Orphanet 36, MedGen C0796147, MONDO:0008708, OMIM 200990.

Allele frequency attached by ClinVar (database versions not stated): gnomAD 0.00001; gnomAD exomes 0.00001 and 0.00003; TOPMed 0.00005; ExAC 0.00007.
gnomAD v4.1: 17 of 1,613,472 alleles (0.0011%); highest among the groups gnomAD compares: East Asian, 0.038%; no homozygotes.

Submission:

Labcorp Genetics (formerly Invitae), Labcorp
Classification: Uncertain significance for Acrocallosal syndrome. Last evaluated: 2024-10-21. Review status: criteria provided, single submitter. Criteria: Invitae Variant Classification Sherloc (09022015). Collection method: clinical testing. Allele origin: germline.
Comment: This sequence change replaces serine, which is neutral and polar, with threonine, which is neutral and polar, at codon 558 of the KIF7 protein (p.Ser558Thr). This variant is present in population databases (rs746600720, gnomAD 0.04%). This variant has not been reported in the literature in individuals affected with KIF7-related conditions. ClinVar contains an entry for this variant (Variation ID: 1026343). Invitae Evidence Modeling of protein sequence and biophysical properties (such as structural, functional, and spatial information, amino acid conservation, physicochemical variation, residue mobility, and thermodynamic stability) indicates that this missense variant is not expected to disrupt KIF7 protein function with a negative predictive value of 80%. In summary, the available evidence is currently insufficient to determine the role of this variant in disease. Therefore, it has been classified as a Variant of Uncertain Significance.